The following is an entry in ClinVar:

ClinVar aggregate classification (germline): Pathogenic (1 of 4 stars; one submission).

Conditions:
Gorlin syndrome. Also called: Basal cell nevus syndrome; Nevoid Basal Cell Carcinoma Syndrome. Identifiers: Orphanet 377, MedGen C0004779, MONDO:0007187.

Submission:

Labcorp Genetics (formerly Invitae), Labcorp
Classification: Pathogenic for Gorlin syndrome. Last evaluated: 2018-05-14. Review status: criteria provided, single submitter. Criteria: Invitae Variant Classification Sherloc (09022015). Collection method: clinical testing. Allele origin: germline.
Comment: For these reasons, this variant has been classified as Pathogenic. Loss-of-function variants in PTCH1 are known to be pathogenic (PMID: 16301862, 16419085). This sequence change creates a premature translational stop signal (p.Ala453Leufs*45) in the PTCH1 gene. It is expected to result in an absent or disrupted protein product. This variant is not present in population databases (ExAC no frequency). This variant has not been reported in the literature in individuals with PTCH1-related disease.

Literature cited by the submitters: PubMed 16301862; PubMed 16419085.

NM_000264.5(PTCH1):c.1353_1356dup (p.Ala453fs)

Gene: PTCH1 (patched 1; minus strand). Cytogenetic location: 9q22.32.
Variant type: Duplication.
Coding change: c.1353_1356dup on transcript NM_000264.5 (MANE Select); coding-DNA positions 1353 to 1356, 4 bases duplicated (CTAT; older notation c.1353_1356dupCTAT).
Protein change: p.Ala453fs; shifts the reading frame from alanine 453.
Molecular consequence: frameshift variant. On other transcripts: non-coding transcript variant (1), intron variant (1).
Genome position (GRCh38, 1-based): chr9:95,477,694-95,477,697, ATAG duplicated on the plus strand (CTAT on the coding strand, the reverse complement: PTCH1 is on the minus strand). VCF-style (leftmost placement, unchanged base first): chr9-95477693-C-CATAG. GRCh37 (hg19) VCF-style: chr9-98239975-C-CATAG.
Other names: c.1155_1158dup, p.Ala387fs (NM_001083602.3); c.1350_1353dup, p.Ala452fs (NM_001083603.3); c.900_903dup, p.Ala302fs (NM_001083604.3, NM_001083605.3, NM_001083606.3 and 1 more transcripts); c.1347+358_1347+361dup (NM_001354918.2); c.1353_1356dupCTAT (NM_000264.3); short protein forms A302fs, A387fs, A453fs, A452fs.
Identifiers: ClinVar variation 576308 (VCV000576308.7), dbSNP rs1564050405, ClinGen allele CA891843140.
Genomic context (GRCh38, chr9:95,477,693, plus strand): 5'-CAGCCAGCCCCACGGCACCCTGGGACTTGGAGCAGTCCCAGCGCAGCATGGTTAGACAGG[C>CATAG]ATAGGCGAGCTGCAAGCAGAACAATGGGGGCACAGAACAAAAGCCGAACATTAGAATGTG-3'